The following is an entry in ClinVar:

NM_000051.4(ATM):c.3851C>T (p.Thr1284Ile)

Gene: ATM (ATM serine/threonine kinase; plus strand). Cytogenetic location: 11q22.3.
Variant type: single nucleotide variant.
Coding change: c.3851C>T on transcript NM_000051.4 (MANE Select); coding-DNA position 3851, C replaced by T.
Protein change: p.Thr1284Ile; replaces threonine 1284 with isoleucine.
Molecular consequence: missense variant.
Genome position (GRCh38, 1-based): chr11:108,284,331, C>T. VCF-style: chr11-108284331-C-T. GRCh37 (hg19) VCF-style: chr11-108155058-C-T.
Other names: c.3851C>T, p.Thr1284Ile (NM_001351834.2); short protein forms T1284I.
Identifiers: ClinVar variation 1048959 (VCV001048959.2), dbSNP rs1200767902, ClinGen allele CA382525186.

ClinVar aggregate classification (germline): Uncertain significance (0 of 4 stars; one submission).

Conditions:
Malignant tumor of breast. Also called: Malignant breast neoplasm; Cancer breast. Identifiers: MedGen C0006142, MONDO:0007254. Disease mechanism: loss of function.

Submission:

Department of Pathology and Laboratory Medicine, Sinai Health System
Classification: Uncertain significance for Malignant tumor of breast. Review status: no assertion criteria provided. Collection method: clinical testing. Allele origin: unknown. Affected: yes. Study: The Canadian Open Genetics Repository (COGR).
Comment: The ATM p.Thr1284Ile variant was not identified in the literature nor was it identified in the dbSNP, ClinVar, COGR, Cosmic, MutDB, or LOVD 3.0 databases. The variant was not identified in the following control databases: the Exome Aggregation Consortium (August 8th 2016), or the Genome Aggregation Database (Feb 27, 2017). The p.Thr1284 residue is not conserved in mammals and four out of five computational analyses (PolyPhen-2, SIFT, AlignGVGD, BLOSUM, MutationTaster) do not suggest a high likelihood of impact to the protein; however, this information is not predictive enough to rule out pathogenicity. The variant occurs outside of the splicing consensus sequence and in silico or computational prediction software programs (SpliceSiteFinder, MaxEntScan, NNSPLICE, GeneSplicer) do not predict a difference in splicing. In summary, based on the above information the clinical significance of this variant cannot be determined with certainty at this time. This variant is classified as a variant of uncertain significance.